The following is an entry in ClinVar:

ClinVar aggregate classification (germline): Pathogenic/Likely pathogenic. Review status: criteria provided, multiple submitters, no conflicts (2 of 4 stars). 3 submissions from 3 submitters: Pathogenic (1); Likely pathogenic (1). 1 of the submissions does not count toward it. Last evaluated 2023-02-01.

Conditions:
MPI-congenital disorder of glycosylation. Also called: MANNOSEPHOSPHATE ISOMERASE DEFICIENCY; MPI DEFICIENCY; CDG Ib; CONGENITAL DISORDER OF GLYCOSYLATION, TYPE Ib; MPI-CDG; PROTEIN-LOSING ENTEROPATHY-HEPATIC FIBROSIS SYNDROME. Identifiers: Orphanet 79319, MedGen C1865145, MONDO:0011257, OMIM 602579.

Submissions (3):

Baylor Genetics
Classification: Likely pathogenic for MPI-congenital disorder of glycosylation. Last evaluated: 2023-02-01. Review status: criteria provided, single submitter. Criteria: ACMG Guidelines, 2015. Collection method: clinical testing. Allele origin: unknown.

Labcorp Genetics (formerly Invitae), Labcorp
Classification: Pathogenic for MPI-congenital disorder of glycosylation. Last evaluated: 2020-09-16. Review status: criteria provided, single submitter. Criteria: Invitae Variant Classification Sherloc (09022015). Collection method: clinical testing. Allele origin: germline.
Comment: For these reasons, this variant has been classified as Pathogenic. Loss-of-function variants in MPI are known to be pathogenic (PMID: 19862844). Algorithms developed to predict the effect of sequence changes on RNA splicing suggest that this variant may create or strengthen a splice site, but this prediction has not been confirmed by published transcriptional studies. This variant has not been reported in the literature in individuals with MPI-related conditions. ClinVar contains an entry for this variant (Variation ID: 550519). This variant is not present in population databases (ExAC no frequency). This sequence change creates a premature translational stop signal (p.Val294Glyfs*11) in the MPI gene. It is expected to result in an absent or disrupted protein product.

Counsyl
Classification: Likely pathogenic for MPI-congenital disorder of glycosylation. Last evaluated: 2017-01-26. Review status: no assertion criteria provided. Collection method: clinical testing. Allele origin: unknown. Not counted in ClinVar's aggregate classification.

Literature cited by the submitters: PubMed 19862844 (cited by Labcorp Genetics (formerly Invitae), Labcorp).

NM_002435.3(MPI):c.880dup (p.Val294fs)

Gene: MPI (mannose phosphate isomerase; plus strand). Cytogenetic location: 15q24.1.
Variant type: Duplication.
Coding change: c.880dup on transcript NM_002435.3 (MANE Select); coding-DNA position 880, one base duplicated (G; older notation c.880dupG).
Protein change: p.Val294fs; shifts the reading frame from valine 294.
Molecular consequence: frameshift variant. On other transcripts: intron variant (1).
Genome position (GRCh38, 1-based): chr15:74,897,046, G duplicated. VCF-style (leftmost placement, unchanged base first): chr15-74897045-A-AG. GRCh37 (hg19) VCF-style: chr15-75189386-A-AG.
Other names: c.730dup, p.Val244fs (NM_001289156.2); c.697dup, p.Val233fs (NM_001289157.2); c.820dup, p.Val274fs (NM_001330372.2); c.845-466dup (NM_001289155.2); short protein forms V233fs, V244fs, V274fs, V294fs.
Identifiers: ClinVar variation 550519 (VCV000550519.9), dbSNP rs1555479351, ClinGen allele CA658824075.